The following is an entry in ClinVar:

NM_001363.5(DKC1):c.1313T>C (p.Val438Ala)

Gene: DKC1 (dyskerin pseudouridine synthase 1; plus strand). Cytogenetic location: Xq28.
Variant type: single nucleotide variant.
Coding change: c.1313T>C on transcript NM_001363.5 (MANE Select); coding-DNA position 1313, T replaced by C.
Protein change: p.Val438Ala; replaces valine 438 with alanine.
Molecular consequence: missense variant. On other transcripts: 3 prime UTR variant (1), non-coding transcript variant (3).
Genome position (GRCh38, 1-based): chrX:154,775,248, T>C. VCF-style: chrX-154775248-T-C. GRCh37 (hg19) VCF-style: chrX-154003523-T-C.
Other names: c.1298T>C, p.Val433Ala (NM_001142463.3); c.*539T>C (NM_001288747.2); short protein forms V438A, V433A.
Identifiers: ClinVar variation 4745619 (VCV004745619.1).

ClinVar aggregate classification (germline): Uncertain significance (1 of 4 stars; one submission).

Conditions:
Dyskeratosis congenita. Identifiers: Orphanet 1775, MedGen C0265965, MONDO:0015780.

Submission:

Labcorp Genetics (formerly Invitae), Labcorp
Classification: Uncertain significance for Dyskeratosis congenita. Last evaluated: 2025-08-16. Review status: criteria provided, single submitter. Criteria: Invitae Variant Classification Sherloc (09022015). Collection method: clinical testing. Allele origin: germline.
Comment: This sequence change replaces valine, which is neutral and non-polar, with alanine, which is neutral and non-polar, at codon 438 of the DKC1 protein (p.Val438Ala). This variant is not present in population databases (gnomAD no frequency). This variant has not been reported in the literature in individuals affected with DKC1-related conditions. Invitae Evidence Modeling of protein sequence and biophysical properties (such as structural, functional, and spatial information, amino acid conservation, physicochemical variation, residue mobility, and thermodynamic stability) indicates that this missense variant is not expected to disrupt DKC1 protein function with a negative predictive value of 80%. In summary, the available evidence is currently insufficient to determine the role of this variant in disease. Therefore, it has been classified as a Variant of Uncertain Significance.